The following is an entry in ClinVar:

NM_001197104.2(KMT2A):c.3157G>C (p.Gly1053Arg)

Gene: KMT2A (lysine methyltransferase 2A; plus strand). Cytogenetic location: 11q23.3.
Variant type: single nucleotide variant.
Coding change: c.3157G>C on transcript NM_001197104.2 (MANE Select); coding-DNA position 3157, G replaced by C.
Protein change: p.Gly1053Arg; replaces glycine 1053 with arginine.
Molecular consequence: missense variant.
Genome position (GRCh38, 1-based): chr11:118,476,805, G>C. VCF-style: chr11-118476805-G-C. GRCh37 (hg19) VCF-style: chr11-118347520-G-C.
Other names: c.3256G>C, p.Gly1086Arg (NM_001412597.1); c.3157G>C, p.Gly1053Arg (NM_005933.4); short protein forms G1053R, G1086R.
Identifiers: ClinVar variation 2628452 (VCV002628452.2), dbSNP rs145549283, ClinGen allele CA382823513.

ClinVar aggregate classification (germline): Uncertain significance. Review status: criteria provided, multiple submitters, no conflicts (2 of 4 stars). 2 submissions from 2 submitters: Uncertain significance (2). Last evaluated 2023-11-06.

Conditions:
KMT2A-related disorder. Also called: KMT2A-related condition.

gnomAD v4.1: 2 of 1,601,504 alleles (0.00012%); highest among the groups gnomAD compares: Non-Finnish European, 0.00017%; no homozygotes.

Submissions (2):

GeneDx
Classification: Uncertain significance. Last evaluated: 2023-11-06. Review status: criteria provided, single submitter. Criteria: GeneDx Variant Classification Process June 2021. Collection method: clinical testing. Allele origin: germline. Affected: yes.
Comment: Not observed at significant frequency in large population cohorts (gnomAD); In silico analysis supports that this missense variant does not alter protein structure/function; Has not been previously published as pathogenic or benign to our knowledge; This variant is associated with the following publications: (PMID: Hu2023[Pre-print])

PreventionGenetics, part of Exact Sciences
Classification: Uncertain significance for KMT2A-related condition. Last evaluated: 2022-10-05. Review status: criteria provided, single submitter. Criteria: ACMG Guidelines, 2015. Collection method: clinical testing. Allele origin: germline.
Comment: The KMT2A c.3157G>C variant is predicted to result in the amino acid substitution p.Gly1053Arg. To our knowledge, this variant has not been reported in the literature or in a large population database, indicating this variant is rare. At this time, the clinical significance of this variant is uncertain due to the absence of conclusive functional and genetic evidence.